The following is an entry in ClinVar:

NM_014714.4(IFT140):c.2012G>A (p.Arg671His)

Gene: IFT140 (intraflagellar transport 140; minus strand). Cytogenetic location: 16p13.3.
Variant type: single nucleotide variant.
Coding change: c.2012G>A on transcript NM_014714.4 (MANE Select); coding-DNA position 2012, G replaced by A.
Protein change: p.Arg671His; replaces arginine 671 with histidine.
Molecular consequence: missense variant.
Genome position (GRCh38, 1-based): chr16:1,564,052, C>T on the plus strand (G>A on the coding strand, the complement: IFT140 is on the minus strand). VCF-style: chr16-1564052-C-T. GRCh37 (hg19) VCF-style: chr16-1614053-C-T.
Other names: short protein forms R671H.
Identifiers: ClinVar variation 887234 (VCV000887234.8), dbSNP rs1372026395, ClinGen allele CA394204874.

ClinVar aggregate classification (germline): Uncertain significance. Review status: criteria provided, multiple submitters, no conflicts (2 of 4 stars). 2 submissions from 2 submitters: Uncertain significance (2). Last evaluated 2022-08-13.

Conditions:
Saldino-Mainzer syndrome (SRTD9). Also called: SHORT-RIB THORACIC DYSPLASIA 9 WITHOUT POLYDACTYLY; Renal dysplasia, retinal pigmentary dystrophy, cerebellar ataxia and skeletal dysplasia; short-rib thoracic dysplasia 9 with or without polydactyly; CONORENAL SYNDROME. Identifiers: Orphanet 140969, MedGen C1849437, MONDO:0009964, OMIM 266920.

Allele frequency attached by ClinVar (database versions not stated): TOPMed below 0.00001; gnomAD 0.00001; gnomAD exomes 0.00001.
gnomAD v4.1: 15 of 1,601,078 alleles (0.00094%); highest among the groups gnomAD compares: Admixed American, 0.0017%; no homozygotes.

Submissions (2):

Labcorp Genetics (formerly Invitae), Labcorp
Classification: Uncertain significance for Saldino-Mainzer syndrome. Last evaluated: 2022-08-13. Review status: criteria provided, single submitter. Criteria: Invitae Variant Classification Sherloc (09022015). Collection method: clinical testing. Allele origin: germline.
Comment: This sequence change replaces arginine, which is basic and polar, with histidine, which is basic and polar, at codon 671 of the IFT140 protein (p.Arg671His). The frequency data for this variant in the population databases is considered unreliable, as metrics indicate poor data quality at this position in the gnomAD database. This variant has not been reported in the literature in individuals affected with IFT140-related conditions. ClinVar contains an entry for this variant (Variation ID: 887234). Algorithms developed to predict the effect of missense changes on protein structure and function (SIFT, PolyPhen-2, Align-GVGD) all suggest that this variant is likely to be tolerated. In summary, the available evidence is currently insufficient to determine the role of this variant in disease. Therefore, it has been classified as a Variant of Uncertain Significance.

Illumina Laboratory Services, Illumina
Classification: Uncertain significance for Saldino-Mainzer syndrome. Last evaluated: 2018-01-13. Review status: criteria provided, single submitter. Criteria: ICSL Variant Classification Criteria 13 December 2019. Collection method: clinical testing. Allele origin: germline.